The following is an entry in ClinVar:

ClinVar aggregate classification (germline): Benign (0 of 4 stars; one submission).

Conditions:
POLR2A-related disorder. Also called: POLR2A-related condition.

Allele frequency attached by ClinVar (database versions not stated): ExAC 0.02217; gnomAD 0.06562; 1000 Genomes Project 0.07588; ESP Exome Variant Server 0.07735; 1000 Genomes Project 30x 0.08136.

Submission:

PreventionGenetics, part of Exact Sciences
Classification: Benign for POLR2A-related condition. Last evaluated: 2019-12-05. Review status: no assertion criteria provided. Collection method: clinical testing. Allele origin: germline.
Comment: This variant is classified as benign based on ACMG/AMP sequence variant interpretation guidelines (Richards et al. 2015 PMID: 25741868, with internal and published modifications).

NM_000937.5(POLR2A):c.3552G>A (p.Thr1184=)

Gene: POLR2A (RNA polymerase II subunit A; plus strand). Cytogenetic location: 17p13.1.
Variant type: single nucleotide variant.
Coding change: c.3552G>A on transcript NM_000937.5 (MANE Select); coding-DNA position 3552, G replaced by A.
Protein change: p.Thr1184=; no amino-acid change (threonine 1184 retained).
Molecular consequence: synonymous variant.
Genome position (GRCh38, 1-based): chr17:7,509,030, G>A. VCF-style: chr17-7509030-G-A. GRCh37 (hg19) VCF-style: chr17-7412349-G-A.
Identifiers: ClinVar variation 3037607 (VCV003037607.2), dbSNP rs2228134, ClinGen allele CA8350005.